The following is an entry in ClinVar:

ClinVar aggregate classification (germline): Benign/Likely benign. Review status: criteria provided, multiple submitters, no conflicts (2 of 4 stars). 2 submissions from 2 submitters: Benign (1); Likely benign (1). Last evaluated 2021-08-22.

Conditions:
Ceroid lipofuscinosis, neuronal, 4 (Kufs type) (CLN4). Also called: Neuronal ceroid lipofuscinosis 4B; Ceroid lipofuscinosis, neuronal, 4, Parry type. Identifiers: Orphanet 228343, Orphanet 79262, MedGen C1834207, MONDO:0008083, OMIM 162350.

Allele frequency attached by ClinVar (database versions not stated): gnomAD 0.01196 and 0.01268; 1000 Genomes Project 0.01358; TOPMed 0.01407; 1000 Genomes Project 30x 0.01515.

Submissions (2):

GeneDx
Classification: Likely benign. Last evaluated: 2021-08-22. Review status: criteria provided, single submitter. Criteria: GeneDx Variant Classification Process June 2021. Collection method: clinical testing. Allele origin: germline. Affected: yes.

Illumina Laboratory Services, Illumina
Classification: Benign for Ceroid lipofuscinosis, neuronal, 4 (Kufs type). Last evaluated: 2018-01-12. Review status: criteria provided, single submitter. Criteria: ICSL Variant Classification Criteria 13 December 2019. Collection method: clinical testing. Allele origin: germline.
Comment: This variant was observed in the ICSL laboratory as part of a predisposition screen in an ostensibly healthy population. It had not been previously curated by ICSL or reported in the Human Gene Mutation Database (HGMD: prior to June 1st, 2018), and was therefore a candidate for classification through an automated scoring system. Utilizing variant allele frequency, disease prevalence and penetrance estimates, and inheritance mode, an automated score was calculated to assess if this variant is too frequent to cause the disease. Based on the score and internal cut-off values, a variant classified as benign is not then subjected to further curation. The score for this variant resulted in a classification of benign for this disease.

NM_025219.3(DNAJC5):c.*4117C>T

Gene: DNAJC5 (DnaJ heat shock protein family (Hsp40) member C5; plus strand). Cytogenetic location: 20q13.33.
Variant type: single nucleotide variant.
Coding change: c.*4117C>T on transcript NM_025219.3 (MANE Select); 4117 bases downstream of the stop codon, C replaced by T.
Molecular consequence: 3 prime UTR variant.
Genome position (GRCh38, 1-based): chr20:63,935,685, C>T. VCF-style: chr20-63935685-C-T. GRCh37 (hg19) VCF-style: chr20-62567038-C-T.
Identifiers: ClinVar variation 339441 (VCV000339441.7), dbSNP rs11554630, ClinGen allele CA10650253.